The following is an entry in ClinVar:

NM_032578.4(MYPN):c.3441C>T (p.Ile1147=)

Gene: MYPN (myopalladin; plus strand). Cytogenetic location: 10q21.3.
Variant type: single nucleotide variant.
Coding change: c.3441C>T on transcript NM_032578.4 (MANE Select); coding-DNA position 3441, C replaced by T.
Protein change: p.Ile1147=; no amino-acid change (isoleucine 1147 retained).
Molecular consequence: synonymous variant. On other transcripts: non-coding transcript variant (2).
Genome position (GRCh38, 1-based): chr10:68,199,523, C>T. VCF-style: chr10-68199523-C-T. GRCh37 (hg19) VCF-style: chr10-69959280-C-T.
Other names: c.3441C>T, p.Ile1147= (NM_001256267.2); c.2559C>T, p.Ile853= (NM_001256268.2).
Identifiers: ClinVar variation 704859 (VCV000704859.16), dbSNP rs759420426, ClinGen allele CA5523042.
Genomic context (GRCh38, chr10:68,199,523, plus strand): 5'-AGTCCACTCTCTGCTCATTGACCCACTCACTCAGCGCGACGCAGGGACCTATAAGTGCAT[C>T]GCTACCAACAAAACCGGGCAGAATTCTTTTAGTCTGGAGCTCTCTGTAGTAGGTAAGGTT-3'
Protein context (NP_115967.2, residues 1137-1157): TQRDAGTYKC[Ile1147=]ATNKTGQNSF

ClinVar aggregate classification (germline): Likely benign. Review status: criteria provided, multiple submitters, no conflicts (2 of 4 stars). 4 submissions from 4 submitters: Likely benign (3). 1 of the submissions does not count toward it. Last evaluated 2025-07-04.

Conditions:
MYPN-related disorder. Also called: MYPN-related condition.
Dilated cardiomyopathy 1KK (CMD1KK). Identifiers: Orphanet 154, Orphanet 75249, MedGen C3714995, MONDO:0014100, OMIM 615248.
MYPN-related myopathy (CMYO24). Also called: Nemaline myopathy 11, autosomal recessive. Identifiers: MedGen C4479186, MONDO:0015023, OMIM 617336.
Cardiovascular phenotype. Identifiers: MedGen CN230736.

Allele frequency attached by ClinVar (database versions not stated): gnomAD exomes 0.00002 and 0.00006; gnomAD 0.00003; TOPMed 0.00006; ExAC 0.00007.
gnomAD v4.1: 34 of 1,614,016 alleles (0.0021%); highest among the groups gnomAD compares: Admixed American, 0.023%; no homozygotes.

Submissions (4):

Labcorp Genetics (formerly Invitae), Labcorp
Classification: Likely benign for Dilated cardiomyopathy 1KK. Last evaluated: 2025-07-04. Review status: criteria provided, single submitter. Criteria: Invitae Variant Classification Sherloc (09022015). Collection method: clinical testing. Allele origin: germline.

Ambry Genetics
Classification: Likely benign for Cardiovascular phenotype. Last evaluated: 2022-07-27. Review status: criteria provided, single submitter. Criteria: Ambry Variant Classification Scheme 2023. Collection method: clinical testing. Allele origin: germline.

Fulgent Genetics
Classification: Likely benign for Dilated cardiomyopathy 1KK; MYPN-related myopathy. Last evaluated: 2021-08-15. Review status: criteria provided, single submitter. Criteria: ACMG Guidelines, 2015. Collection method: clinical testing. Allele origin: unknown.

PreventionGenetics, part of Exact Sciences
Classification: Likely benign for MYPN-related condition. Last evaluated: 2020-11-16. Review status: no assertion criteria provided. Collection method: clinical testing. Allele origin: germline. Not counted in ClinVar's aggregate classification.
Comment: This variant is classified as likely benign based on ACMG/AMP sequence variant interpretation guidelines (Richards et al. 2015 PMID: 25741868, with internal and published modifications).